The following is an entry in ClinVar:

ClinVar aggregate classification (germline): Likely pathogenic (1 of 4 stars; one submission).

Conditions:
Hereditary spherocytosis type 2. Also called: SPHEROCYTOSIS, TYPE 2, AUTOSOMAL DOMINANT. Identifiers: Orphanet 822, MedGen C2674219, MONDO:0000913, OMIM 616649.

Submission:

3billion
Classification: Likely pathogenic for Hereditary spherocytosis type 2. Last evaluated: 2024-08-28. Review status: criteria provided, single submitter. Criteria: ACMG Guidelines, 2015. Collection method: clinical testing. Allele origin: germline. Affected: yes.
Comment: The variant is not observed in the gnomAD v4.0.0 dataset. Predicted Consequence/Location: Frameshift: predicted to result in a loss or disruption of normal protein function through nonsense-mediated decay (NMD) or protein truncation. Multiple pathogenic variants are reported downstream of the variant. Therefore, this variant is classified as Likely pathogenic according to the recommendation of ACMG/AMP guideline.

NM_001355436.2(SPTB):c.5065_5066del (p.Met1689fs)

Gene: SPTB (spectrin beta, erythrocytic; minus strand). Cytogenetic location: 14q23.3.
Variant type: Deletion.
Coding change: c.5065_5066del on transcript NM_001355436.2 (MANE Select); coding-DNA positions 5065 to 5066, 2 bases deleted (AT; older notation c.5065_5066delAT).
Protein change: p.Met1689fs; shifts the reading frame from methionine 1689.
Molecular consequence: frameshift variant.
Genome position (GRCh38, 1-based): chr14:64,773,332-64,773,333, AT deleted on the plus strand (AT on the coding strand, the reverse complement: SPTB is on the minus strand). VCF-style (leftmost placement, unchanged base first): chr14-64773331-CAT-C. GRCh37 (hg19) VCF-style: chr14-65240049-CAT-C.
Other names: c.5065_5066del, p.Met1689fs (NM_001024858.4, NM_001355437.2); short protein forms M1689fs.
Identifiers: ClinVar variation 4293848 (VCV004293848.1).